The following is an entry in ClinVar:

ClinVar aggregate classification (germline): Uncertain significance (1 of 4 stars; one submission).

gnomAD v4.1: 1 of 1,604,742 alleles (0.000062%); highest among the groups gnomAD compares: South Asian, 0.0011%; no homozygotes.

Submission:

Labcorp Genetics (formerly Invitae), Labcorp
Classification: Uncertain significance. Last evaluated: 2025-10-09. Review status: criteria provided, single submitter. Criteria: Invitae Variant Classification Sherloc (09022015). Collection method: clinical testing. Allele origin: germline.
Comment: This sequence change replaces threonine, which is neutral and polar, with arginine, which is basic and polar, at codon 70 of the ITGAM protein (p.Thr70Arg). This variant is not present in population databases (gnomAD no frequency). This variant has not been reported in the literature in individuals affected with ITGAM-related conditions. An algorithm developed to predict the effect of missense changes on protein structure and function (PolyPhen-2) suggests that this variant is likely to be tolerated. In summary, the available evidence is currently insufficient to determine the role of this variant in disease. Therefore, it has been classified as a Variant of Uncertain Significance.

NM_000632.4(ITGAM):c.209C>G (p.Thr70Arg)

Genes: ITGAM (integrin subunit alpha M; plus strand), LOC126862331 (P300/CBP strongly-dependent group 1 enhancer GRCh37_chr16:31276375-31277574; plus strand). Cytogenetic location: 16p11.2.
Variant type: single nucleotide variant.
Coding change: c.209C>G on transcript NM_000632.4 (MANE Select); coding-DNA position 209, C replaced by G.
Protein change: p.Thr70Arg; replaces threonine 70 with arginine.
Molecular consequence: missense variant.
Genome position (GRCh38, 1-based): chr16:31,265,469, C>G. VCF-style: chr16-31265469-C-G. GRCh37 (hg19) VCF-style: chr16-31276790-C-G.
Other names: c.209C>G, p.Thr70Arg (NM_001145808.2); short protein forms T70R.
Identifiers: ClinVar variation 4728775 (VCV004728775.1).